The following is an entry in ClinVar:

NR_004427.1(RNU1-2):n.30T>C

Gene: RNU1-2 (RNA, U1 small nuclear 2; plus strand). Cytogenetic location: 1p36.13.
Variant type: single nucleotide variant.
Molecular consequence: non-coding transcript variant (on NR_004427.1).
Genome position: GRCh38 VCF-style: chr1-16896009-T-C. GRCh37 (hg19) VCF-style: chr1-17222504-T-C.
Identifiers: ClinVar variation 3770168 (VCV003770168.1).

ClinVar aggregate classification (germline): Uncertain significance (1 of 4 stars; one submission).

Submission:

Institute for Human Genetics, University Hospital Essen
Classification: Uncertain significance. Last evaluated: 2005-03-05. Review status: criteria provided, single submitter. Criteria: ACMG Guidelines, 2015. Collection method: clinical testing. Allele origin: de novo. Affected: yes.
Comment: PM2_supp, PS2